The following is an entry in ClinVar:

NM_003482.4(KMT2D):c.10185_10202dup (p.Met3398_Ala3403dup)

Gene: KMT2D (lysine methyltransferase 2D; minus strand). Cytogenetic location: 12q13.12.
Variant type: Duplication.
Coding change: c.10185_10202dup on transcript NM_003482.4 (MANE Select); coding-DNA positions 10185 to 10202, 18 bases duplicated (ATTGGCAATGCAGCAGCA).
Protein change: p.Met3398_Ala3403dup.
Molecular consequence: inframe insertion.
Genome position (GRCh38, 1-based): chr12:49,037,154-49,037,171, TGCTGCTGCATTGCCAAT duplicated on the plus strand (ATTGGCAATGCAGCAGCA on the coding strand, the reverse complement: KMT2D is on the minus strand); duplicating any 18 consecutive bases within chr12:49,037,154-49,037,177 gives the same sequence; the c. name uses the placement nearest the transcript's 3' end. VCF-style (leftmost placement, unchanged base first): chr12-49037153-C-CTGCTGCTGCATTGCCAAT. GRCh37 (hg19) VCF-style: chr12-49430936-C-CTGCTGCTGCATTGCCAAT.
Identifiers: ClinVar variation 1396275 (VCV001396275.10), dbSNP rs778828343, ClinGen allele CA6546587.

ClinVar aggregate classification (germline): Uncertain significance. Review status: criteria provided, multiple submitters, no conflicts (2 of 4 stars). 2 submissions from 2 submitters: Uncertain significance (2). Last evaluated 2024-10-21.

Conditions:
Choanal atresia-athelia-hypothyroidism-delayed puberty-short stature syndrome (BCAHH). Also called: BRANCHIAL ARCH ABNORMALITIES, CHOANAL ATRESIA, ATHELIA, HEARING LOSS, AND HYPOTHYROIDISM SYNDROME. Identifiers: Orphanet 589856, MedGen C5680310, MONDO:0035651, OMIM 620186.
Kabuki syndrome 1 (KABUK1). Also called: KMT2D-Related Kabuki Syndrome. Identifiers: Orphanet 2322, MedGen CN030661, MONDO:0007843, OMIM 147920.
Kabuki syndrome. Also called: Kabuki make-up syndrome; NIIKAWA-KUROKI SYNDROME. Identifiers: Orphanet 2322, MedGen C0796004, MONDO:0016512.

Submissions (2):

Labcorp Genetics (formerly Invitae), Labcorp
Classification: Uncertain significance for Kabuki syndrome. Last evaluated: 2024-10-21. Review status: criteria provided, single submitter. Criteria: Invitae Variant Classification Sherloc (09022015). Collection method: clinical testing. Allele origin: germline.
Comment: This variant, c.10185_10202dup, results in the insertion of 6 amino acid(s) of the KMT2D protein (p.Met3398_Ala3403dup), but otherwise preserves the integrity of the reading frame. This variant is present in population databases (rs778828343, gnomAD 0.01%). This variant has not been reported in the literature in individuals affected with KMT2D-related conditions. ClinVar contains an entry for this variant (Variation ID: 1396275). Experimental studies and prediction algorithms are not available or were not evaluated, and the functional significance of this variant is currently unknown. In summary, the available evidence is currently insufficient to determine the role of this variant in disease. Therefore, it has been classified as a Variant of Uncertain Significance.

Fulgent Genetics
Classification: Uncertain significance for Kabuki syndrome 1; Choanal atresia-athelia-hypothyroidism-delayed puberty-short stature syndrome. Last evaluated: 2024-02-20. Review status: criteria provided, single submitter. Criteria: ACMG Guidelines, 2015. Collection method: clinical testing. Allele origin: germline.